The following is an entry in ClinVar:

ClinVar aggregate classification (germline): Uncertain significance (1 of 4 stars; one submission).

gnomAD v4.1: 1 of 1,614,020 alleles (0.000062%); no homozygotes.

Submission:

Labcorp Genetics (formerly Invitae), Labcorp
Classification: Uncertain significance. Last evaluated: 2022-07-23. Review status: criteria provided, single submitter. Criteria: Invitae Variant Classification Sherloc (09022015). Collection method: clinical testing. Allele origin: germline.
Comment: This sequence change falls in intron 12 of the COQ8A gene. It does not directly change the encoded amino acid sequence of the COQ8A protein. This variant is not present in population databases (gnomAD no frequency). This variant has not been reported in the literature in individuals affected with COQ8A-related conditions. Algorithms developed to predict the effect of sequence changes on RNA splicing suggest that this variant may create or strengthen a splice site. In summary, the available evidence is currently insufficient to determine the role of this variant in disease. Therefore, it has been classified as a Variant of Uncertain Significance.

NM_020247.5(COQ8A):c.1507-17G>A

Gene: COQ8A (coenzyme Q8A; plus strand). Cytogenetic location: 1q42.13.
Variant type: single nucleotide variant.
Coding change: c.1507-17G>A on transcript NM_020247.5 (MANE Select); 17 bases into the intron before coding-DNA position 1507, G replaced by A.
Molecular consequence: intron variant.
Genome position (GRCh38, 1-based): chr1:226,984,859, G>A. VCF-style: chr1-226984859-G-A. GRCh37 (hg19) VCF-style: chr1-227172560-G-A.
Identifiers: ClinVar variation 1943852 (VCV001943852.2), dbSNP rs1370736815, ClinGen allele CA529464739.